The following is an entry in ClinVar:

ClinVar aggregate classification (germline): Likely benign (0 of 4 stars; one submission).

Conditions:
PARD3-related disorder. Also called: PARD3-related condition.

Allele frequency attached by ClinVar (database versions not stated): ExAC 0.00004; ESP Exome Variant Server 0.00008; 1000 Genomes Project 30x 0.00016; 1000 Genomes Project 0.00020.
gnomAD v4.1: 250 of 1,601,138 alleles (0.016%); highest among the groups gnomAD compares: Non-Finnish European, 0.02%; no homozygotes.

Submission:

PreventionGenetics, part of Exact Sciences
Classification: Likely benign for PARD3-related condition. Last evaluated: 2019-06-12. Review status: no assertion criteria provided. Collection method: clinical testing. Allele origin: germline.
Comment: This variant is classified as likely benign based on ACMG/AMP sequence variant interpretation guidelines (Richards et al. 2015 PMID: 25741868, with internal and published modifications).

NM_001184785.2(PARD3):c.573C>T (p.Cys191=)

Gene: PARD3 (par-3 family cell polarity regulator; minus strand). Cytogenetic location: 10p11.21.
Variant type: single nucleotide variant.
Coding change: c.573C>T on transcript NM_001184785.2 (MANE Select); coding-DNA position 573, C replaced by T.
Protein change: p.Cys191=; no amino-acid change (cysteine 191 retained).
Molecular consequence: synonymous variant.
Genome position (GRCh38, 1-based): chr10:34,470,094, G>A on the plus strand (C>T on the coding strand, the complement: PARD3 is on the minus strand). VCF-style: chr10-34470094-G-A. GRCh37 (hg19) VCF-style: chr10-34759022-G-A.
Other names: c.573C>T, p.Cys191= (NM_001184786.2, NM_001184787.2, NM_001184788.2 and 7 more transcripts).
Identifiers: ClinVar variation 3033124 (VCV003033124.2), dbSNP rs193920776, ClinGen allele CA5468157.